The following is an entry in ClinVar:

ClinVar aggregate classification (germline): Pathogenic (1 of 4 stars; one submission).

Submission:

Labcorp Genetics (formerly Invitae), Labcorp
Classification: Pathogenic. Last evaluated: 2022-11-28. Review status: criteria provided, single submitter. Criteria: Invitae Variant Classification Sherloc (09022015). Collection method: clinical testing. Allele origin: germline.
Comment: This sequence change creates a premature translational stop signal (p.Ser1233*) in the SON gene. It is expected to result in an absent or disrupted protein product. Loss-of-function variants in SON are known to be pathogenic (PMID: 27545676, 27545680). This variant is not present in population databases (gnomAD no frequency). This variant has not been reported in the literature in individuals affected with SON-related conditions. For these reasons, this variant has been classified as Pathogenic.

Literature cited by the submitters: PubMed 27545676; PubMed 27545680.

NM_138927.4(SON):c.3698C>G (p.Ser1233Ter)

Gene: SON (SON DNA and RNA binding protein; plus strand). Cytogenetic location: 21q22.11.
Variant type: single nucleotide variant.
Coding change: c.3698C>G on transcript NM_138927.4 (MANE Select); coding-DNA position 3698, C replaced by G.
Protein change: p.Ser1233Ter; replaces serine 1233 with a stop codon.
Molecular consequence: nonsense. On other transcripts: non-coding transcript variant (1), intron variant (1).
Genome position (GRCh38, 1-based): chr21:33,552,929, C>G. VCF-style: chr21-33552929-C-G. GRCh37 (hg19) VCF-style: chr21-34925235-C-G.
Other names: c.3698C>G, p.Ser1233Ter (NM_001291411.2, NM_001412133.1, NM_032195.3 and 2 more transcripts); c.245-4227C>G (NM_001291412.3); short protein forms S1233*.
Identifiers: ClinVar variation 2817025 (VCV002817025.3), dbSNP rs1483350387, ClinGen allele CA410160742.